The following is an entry in ClinVar:

ClinVar aggregate classification (germline): Uncertain significance (1 of 4 stars; one submission).

Conditions:
Hypertrophic cardiomyopathy. Also called: HYPERTROPHIC MYOCARDIOPATHY. Identifiers: Orphanet 217569, MedGen C0007194, MeSH D002312, MONDO:0005045, HP:0001639.

Submission:

Labcorp Genetics (formerly Invitae), Labcorp
Classification: Uncertain significance for Hypertrophic cardiomyopathy. Last evaluated: 2019-03-06. Review status: criteria provided, single submitter. Criteria: Invitae Variant Classification Sherloc (09022015). Collection method: clinical testing. Allele origin: germline.
Comment: This sequence change replaces serine with proline at codon 384 of the MYH7 protein (p.Ser384Pro). The serine residue is highly conserved and there is a moderate physicochemical difference between serine and proline. This variant is not present in population databases (ExAC no frequency). This variant has been observed in an individual affected with hypertrophic cardiomyopathy (PMID: 25132132). Algorithms developed to predict the effect of missense changes on protein structure and function are either unavailable or do not agree on the potential impact of this missense change (SIFT: "Deleterious"; PolyPhen-2: "Possibly Damaging"; Align-GVGD: "Class C0"). This variant is found within a region of MYH7 between codons 181 and 937 that contains the majority of the myosin head domain. Missense variants in this region have been shown to be significantly overrepresented in individuals with hypertrophic cardiomyopathy (PMID: 27532257). In summary, the available evidence is currently insufficient to determine the role of this variant in disease. Therefore, it has been classified as a Variant of Uncertain Significance.

Literature cited by the submitters: PubMed 25132132; PubMed 27532257.

NM_000257.4(MYH7):c.1150T>C (p.Ser384Pro)

Gene: MYH7 (myosin heavy chain 7; minus strand). Cytogenetic location: 14q11.2.
Variant type: single nucleotide variant.
Coding change: c.1150T>C on transcript NM_000257.4 (MANE Select); coding-DNA position 1150, T replaced by C.
Protein change: p.Ser384Pro; replaces serine 384 with proline.
Molecular consequence: missense variant.
Genome position (GRCh38, 1-based): chr14:23,429,336, A>G on the plus strand (T>C on the coding strand, the complement: MYH7 is on the minus strand). VCF-style: chr14-23429336-A-G. GRCh37 (hg19) VCF-style: chr14-23898545-A-G.
Other names: short protein forms S384P.
Identifiers: ClinVar variation 862402 (VCV000862402.9), dbSNP rs1892827655, ClinGen allele CA389051237.